The following is an entry in ClinVar:

NM_014727.3(KMT2B):c.5350C>T (p.Arg1784Trp)

Gene: KMT2B (lysine methyltransferase 2B; plus strand). Cytogenetic location: 19q13.12.
Variant type: single nucleotide variant.
Coding change: c.5350C>T on transcript NM_014727.3 (MANE Select); coding-DNA position 5350, C replaced by T.
Protein change: p.Arg1784Trp; replaces arginine 1784 with tryptophan.
Molecular consequence: missense variant.
Genome position (GRCh38, 1-based): chr19:35,730,780, C>T. VCF-style: chr19-35730780-C-T. GRCh37 (hg19) VCF-style: chr19-36221681-C-T.
Other names: short protein forms R1784W.
Identifiers: ClinVar variation 2783356 (VCV002783356.3), dbSNP rs2513346887, ClinGen allele CA405421654.
Genomic context (GRCh38, chr19:35,730,780, plus strand): 5'-TACTGGAGCACAGTGGATGCTCGGAGGCGCTGCTGGTATCGGTGCCGAATTCTGGAGTAT[C>T]GGCCATGGGGGCCGAGGGAAGAGCCAGCTCACCTGGAGGCTGCAGAGGAGAACCAGACCA-3'
Protein context (NP_055542.1, residues 1774-1794): CWYRCRILEY[Arg1784Trp]PWGPREEPAH

ClinVar aggregate classification (germline): Uncertain significance (1 of 4 stars; one submission).

Allele frequency attached by ClinVar (database versions not stated): gnomAD exomes below 0.00001.
gnomAD v4.1: 6 of 1,613,806 alleles (0.00037%); highest among the groups gnomAD compares: Non-Finnish European, 0.00051%; no homozygotes.

Submission:

Labcorp Genetics (formerly Invitae), Labcorp
Classification: Uncertain significance. Last evaluated: 2023-05-24. Review status: criteria provided, single submitter. Criteria: Invitae Variant Classification Sherloc (09022015). Collection method: clinical testing. Allele origin: germline.
Comment: This variant is not present in population databases (gnomAD no frequency). In summary, the available evidence is currently insufficient to determine the role of this variant in disease. Therefore, it has been classified as a Variant of Uncertain Significance. Advanced modeling of protein sequence and biophysical properties (such as structural, functional, and spatial information, amino acid conservation, physicochemical variation, residue mobility, and thermodynamic stability) has been performed at Invitae for this missense variant, however the output from this modeling did not meet the statistical confidence thresholds required to predict the impact of this variant on KMT2B protein function. This variant has not been reported in the literature in individuals affected with KMT2B-related conditions. This sequence change replaces arginine, which is basic and polar, with tryptophan, which is neutral and slightly polar, at codon 1784 of the KMT2B protein (p.Arg1784Trp).